The following is an entry in ClinVar:

ClinVar aggregate classification (germline): Uncertain significance (1 of 4 stars; one submission).

Submission:

GeneDx
Classification: Uncertain significance. Last evaluated: 2021-04-13. Review status: criteria provided, single submitter. Criteria: GeneDx Variant Classification Process June 2021. Collection method: clinical testing. Allele origin: germline. Affected: yes.
Comment: Not observed in large population cohorts (Lek et al., 2016); In silico analysis supports that this missense variant does not alter protein structure/function; Has not been previously published as pathogenic or benign to our knowledge

NM_014795.4(ZEB2):c.476A>G (p.His159Arg)

Gene: ZEB2 (zinc finger E-box binding homeobox 2; minus strand). Cytogenetic location: 2q22.3.
Variant type: single nucleotide variant.
Coding change: c.476A>G on transcript NM_014795.4 (MANE Select); coding-DNA position 476, A replaced by G.
Protein change: p.His159Arg; replaces histidine 159 with arginine.
Molecular consequence: missense variant.
Genome position (GRCh38, 1-based): chr2:144,404,952, T>C on the plus strand (A>G on the coding strand, the complement: ZEB2 is on the minus strand). VCF-style: chr2-144404952-T-C. GRCh37 (hg19) VCF-style: chr2-145162519-T-C.
Other names: c.404A>G, p.His135Arg (NM_001171653.2); short protein forms H135R, H159R.
Identifiers: ClinVar variation 1314295 (VCV001314295.2), dbSNP rs2149879723, ClinGen allele CA348715365.